The following is an entry in ClinVar:

ClinVar aggregate classification (germline): Pathogenic. Review status: criteria provided, multiple submitters, no conflicts (2 of 4 stars). 2 submissions from 2 submitters: Pathogenic (2). Last evaluated 2022-10-28.

Conditions:
Bethlem myopathy 1A. Also called: MYOPATHY, BENIGN CONGENITAL, WITH CONTRACTURES; Bethlem myopathy 1; Bethlem Muscular Dystrophy. Identifiers: Orphanet 610, MedGen CN029274, MONDO:0024530, OMIM 158810.

Submissions (2):

Labcorp Genetics (formerly Invitae), Labcorp
Classification: Pathogenic for Bethlem myopathy 1A. Last evaluated: 2022-10-28. Review status: criteria provided, single submitter. Criteria: Invitae Variant Classification Sherloc (09022015). Collection method: clinical testing. Allele origin: germline.
Comment: This sequence change affects an acceptor splice site in intron 10 of the COL6A2 gene. It is expected to disrupt RNA splicing. Variants that disrupt the donor or acceptor splice site typically lead to a loss of protein function (PMID: 16199547), and loss-of-function variants in COL6A2 are known to be disease-causing for autosomal recessive COL6A2 conditions (PMID: 21280092, 20976770). However, certain variants affecting donor or acceptor splice sites in the triple helical domain of COL6A2 are expected to result in in-frame exon skipping and have been reported to cause autosomal dominant COL6A2-related conditions (PMID: 18366090). For these reasons, this variant has been classified as Pathogenic. Studies have shown that disruption of this splice site is associated with altered splicing resulting in multiple RNA products (PMID: 17886299). ClinVar contains an entry for this variant (Variation ID: 499673). Disruption of this splice site has been observed in individual(s) with autosomal dominant COL6A2-related conditions (PMID: 17886299; Invitae). This variant is not present in population databases (gnomAD no frequency).

Eurofins Ntd Llc (ga)
Classification: Pathogenic. Last evaluated: 2017-01-05. Review status: criteria provided, single submitter. Criteria: EGL Classification Definitions 2015. Collection method: clinical testing. Allele origin: germline. Observed: 1 variant allele, 1 heterozygote.

Literature cited by the submitters: PubMed 16199547 (cited by Labcorp Genetics (formerly Invitae), Labcorp); PubMed 21280092 (cited by Labcorp Genetics (formerly Invitae), Labcorp); PubMed 20976770 (cited by Labcorp Genetics (formerly Invitae), Labcorp); PubMed 18366090 (cited by Labcorp Genetics (formerly Invitae), Labcorp); PubMed 17886299 (cited by Labcorp Genetics (formerly Invitae), Labcorp).

NM_001849.4(COL6A2):c.1000-1G>T

Gene: COL6A2 (collagen type VI alpha 2 chain; plus strand). Cytogenetic location: 21q22.3.
Variant type: single nucleotide variant.
Coding change: c.1000-1G>T on transcript NM_001849.4 (MANE Select); the canonical splice acceptor site of the intron before coding-DNA position 1000, G replaced by T.
Molecular consequence: splice acceptor variant.
Genome position (GRCh38, 1-based): chr21:46,117,399, G>T. VCF-style: chr21-46117399-G-T. GRCh37 (hg19) VCF-style: chr21-47537313-G-T.
Other names: c.1000-1G>T (NM_058175.3, NM_058174.3).
Identifiers: ClinVar variation 499673 (VCV000499673.18), dbSNP rs1555873358, ClinGen allele CA410527297.